The following is an entry in ClinVar:

NM_015272.5(RPGRIP1L):c.2305-2A>G

Gene: RPGRIP1L (RPGRIP1 like; minus strand). Cytogenetic location: 16q12.2.
Variant type: single nucleotide variant.
Coding change: c.2305-2A>G on transcript NM_015272.5 (MANE Select); the canonical splice acceptor site of the intron before coding-DNA position 2305, A replaced by G.
Molecular consequence: splice acceptor variant.
Genome position (GRCh38, 1-based): chr16:53,646,005, T>C on the plus strand (A>G on the coding strand, the complement: RPGRIP1L is on the minus strand). VCF-style: chr16-53646005-T-C. GRCh37 (hg19) VCF-style: chr16-53679917-T-C.
Other names: c.2305-2A>G (NM_001127897.4, NM_001330538.2, NM_001308334.3 and 1 more transcripts).
Identifiers: ClinVar variation 3580838 (VCV003580838.2).

ClinVar aggregate classification (germline): Likely pathogenic. Review status: criteria provided, multiple submitters, no conflicts (2 of 4 stars). 2 submissions from 2 submitters: Likely pathogenic (2). Last evaluated 2025-09-16.

Conditions:
Meckel syndrome, type 5 (MKS5). Identifiers: Orphanet 564, MedGen C1969052, MONDO:0012695, OMIM 611561.
COACH syndrome 3. Identifiers: MedGen C5436841, MONDO:0030862, OMIM 619113.
Joubert syndrome 7 (JBTS7). Identifiers: Orphanet 220497, MedGen C1969053, MONDO:0012694, OMIM 611560.
Joubert syndrome. Also called: CEREBELLOPARENCHYMAL DISORDER IV; JOUBERT-BOLTSHAUSER SYNDROME; Familial aplasia of the vermis. Identifiers: Orphanet 475, MedGen C5979921, MONDO:0018772.

gnomAD v4.1: 2 of 1,613,498 alleles (0.00012%); highest among the groups gnomAD compares: African/African-American, 0.0013%; no homozygotes.

Submissions (2):

Natera, Inc.
Classification: Likely pathogenic for Joubert syndrome. Last evaluated: 2025-09-16. Review status: criteria provided, single submitter. Criteria: Natera Variant Classification Schema (03/2026). Collection method: clinical testing. Allele origin: germline.
Comment: The c.2305-2A>G variant in RPGRIP1L is a canonical splice acceptor site variant predicted to affect pre-mRNA splicing, which may result in an abnormal transcript and altered protein product. This variant is expected to result in nonsense mediated decay, truncation, or a dysfunctional protein product. This variant is rare in the general population with a frequency below the threshold expected for the associated phenotype(s). Given the available evidence, this variant is classified as Likely Pathogenic.

Fulgent Genetics
Classification: Likely pathogenic for Joubert syndrome 7; Meckel syndrome, type 5; COACH syndrome 3. Last evaluated: 2024-03-20. Review status: criteria provided, single submitter. Criteria: ACMG Guidelines, 2015. Collection method: clinical testing. Allele origin: germline.